The following is an entry in ClinVar:

ClinVar aggregate classification (germline): Likely benign (1 of 4 stars; one submission).

Allele frequency attached by ClinVar (database versions not stated): ExAC 0.00003; gnomAD 0.00012; TOPMed 0.00018; gnomAD exomes 0.00026.
gnomAD v4.1: 290 of 1,209,239 alleles (0.024%); highest among the groups gnomAD compares: Non-Finnish European, 0.031%; no homozygotes.

Submission:

CeGaT Center for Human Genetics Tuebingen
Classification: Likely benign. Last evaluated: 2022-11-01. Review status: criteria provided, single submitter. Criteria: CeGaT Center For Human Genetics Tuebingen Variant Classification Criteria Version 2. Collection method: clinical testing. Allele origin: germline. Affected: yes. Observed: 1 variant allele.
Comment: TCEAL2: BP4, BP7, BS2

NM_080390.4(TCEAL2):c.474T>C (p.His158=)

Gene: TCEAL2 (transcription elongation factor A like 2; plus strand). Cytogenetic location: Xq22.1.
Variant type: single nucleotide variant.
Coding change: c.474T>C on transcript NM_080390.4 (MANE Select); coding-DNA position 474, T replaced by C.
Protein change: p.His158=; no amino-acid change (histidine 158 retained).
Molecular consequence: synonymous variant.
Genome position (GRCh38, 1-based): chrX:102,127,304, T>C. VCF-style: chrX-102127304-T-C. GRCh37 (hg19) VCF-style: chrX-101382276-T-C.
Identifiers: ClinVar variation 2661076 (VCV002661076.24), dbSNP rs113561183, ClinGen allele CA10475146.